The following is an entry in ClinVar:

ClinVar aggregate classification (germline): Uncertain significance. Review status: criteria provided, multiple submitters, no conflicts (2 of 4 stars). 3 submissions from 3 submitters: Uncertain significance (3). Last evaluated 2024-08-18.

Conditions:
Hereditary cancer-predisposing syndrome. Also called: Hereditary neoplastic syndrome; Neoplastic Syndromes, Hereditary; Tumor predisposition; Hereditary Cancer Syndrome. Identifiers: Orphanet 140162, MedGen C0027672, MeSH D009386, MONDO:0015356.
Familial cancer of breast. Also called: BREAST CANCER, FAMILIAL; Hereditary breast cancer; hereditary breast carcinoma. Identifiers: Orphanet 227535, MedGen C0346153, MONDO:0016419, OMIM 114480. Disease mechanism: loss of function.

Allele frequency attached by ClinVar (database versions not stated): gnomAD exomes below 0.00001; ExAC 0.00001; gnomAD 0.00001.

Submissions (3):

Ambry Genetics
Classification: Uncertain significance for Hereditary cancer-predisposing syndrome. Last evaluated: 2024-08-18. Review status: criteria provided, single submitter. Criteria: Ambry Variant Classification Scheme 2023. Collection method: clinical testing. Allele origin: germline.
Comment: The p.L206F variant (also known as c.616C>T), located in coding exon 4 of the PALB2 gene, results from a C to T substitution at nucleotide position 616. The leucine at codon 206 is replaced by phenylalanine, an amino acid with highly similar properties. This amino acid position is conserved. In addition, this alteration is predicted to be tolerated by in silico analysis. Based on the available evidence, the clinical significance of this variant remains unclear.

Labcorp Genetics (formerly Invitae), Labcorp
Classification: Uncertain significance for Familial cancer of breast. Last evaluated: 2021-02-18. Review status: criteria provided, single submitter. Criteria: Invitae Variant Classification Sherloc (09022015). Collection method: clinical testing. Allele origin: germline.
Comment: In summary, the available evidence is currently insufficient to determine the role of this variant in disease. Therefore, it has been classified as a Variant of Uncertain Significance. Algorithms developed to predict the effect of missense changes on protein structure and function are either unavailable or do not agree on the potential impact of this missense change (SIFT: "Tolerated"; PolyPhen-2: "Possibly Damaging"; Align-GVGD: "Class C0"). This variant has not been reported in the literature in individuals with PALB2-related conditions. ClinVar contains an entry for this variant (Variation ID: 246502). This variant is present in population databases (rs776664411, ExAC 0.01%). This sequence change replaces leucine with phenylalanine at codon 206 of the PALB2 protein (p.Leu206Phe). The leucine residue is weakly conserved and there is a small physicochemical difference between leucine and phenylalanine.

GeneDx
Classification: Uncertain significance. Last evaluated: 2016-03-12. Review status: criteria provided, single submitter. Criteria: GeneDx Variant Classification (06012015). Collection method: clinical testing. Allele origin: germline. Affected: yes.
Comment: This variant is denoted PALB2 c.616C>T at the cDNA level, p.Leu206Phe (L206F) at the protein level, and results in the change of a Leucine to a Phenylalanine (CTT>TTT). This variant has not, to our knowledge, been published in the literature as pathogenic or benign. PALB2 Leu206Phe was not observed in approximately 6,500 individuals of European and African American ancestry in the NHLBI Exome Sequencing Project, suggesting it is not a common benign variant in these populations. Since Leucine and Phenylalanine share similar properties, this is considered a conservative amino acid substitution. PALB2 Leu206Phe occurs at a position that is not conserved and is located within the DNA binding region and in a region reported to interact with BRCA1 (UniProt). In silico analyses predict that this variant is unlikely to alter protein structure or function. Based on currently available evidence, it is unclear whether PALB2 Leu206Phe is a pathogenic or benign variant. We consider it to be a variant of uncertain significance.

NM_024675.4(PALB2):c.616C>T (p.Leu206Phe)

Gene: PALB2 (partner and localizer of BRCA2; minus strand). Cytogenetic location: 16p12.2.
Variant type: single nucleotide variant.
Coding change: c.616C>T on transcript NM_024675.4 (MANE Select); coding-DNA position 616, C replaced by T.
Protein change: p.Leu206Phe; replaces leucine 206 with phenylalanine.
Molecular consequence: missense variant.
Genome position (GRCh38, 1-based): chr16:23,635,930, G>A on the plus strand (C>T on the coding strand, the complement: PALB2 is on the minus strand). VCF-style: chr16-23635930-G-A. GRCh37 (hg19) VCF-style: chr16-23647251-G-A.
Other names: short protein forms L206F.
Identifiers: ClinVar variation 246502 (VCV000246502.11), dbSNP rs776664411, ClinGen allele CA7963773.